The following is an entry in ClinVar:

ClinVar aggregate classification (germline): Uncertain significance. Review status: criteria provided, multiple submitters, no conflicts (2 of 4 stars). 2 submissions from 2 submitters: Uncertain significance (2). Last evaluated 2024-12-13.

Conditions:
Autosomal recessive nonsyndromic hearing loss 2. Also called: DEAFNESS, AUTOSOMAL RECESSIVE 2; NEUROSENSORY NONSYNDROMIC RECESSIVE DEAFNESS 2. Identifiers: Orphanet 90636, MedGen C1838701, MONDO:0010807, OMIM 600060.

gnomAD v4.1: 1 of 1,600,276 alleles (0.000062%); highest among the groups gnomAD compares: Admixed American, 0.0017%; no homozygotes.

Submissions (2):

3billion
Classification: Uncertain significance for Autosomal recessive nonsyndromic hearing loss 2. Last evaluated: 2024-12-13. Review status: criteria provided, single submitter. Criteria: ACMG Guidelines, 2015. Collection method: clinical testing. Allele origin: germline. Affected: yes.
Comment: The variant is observed at an extremely low frequency in the gnomAD v4.1.0 dataset (total allele frequency: <0.001%). Predicted Consequence/Location: Missense variant In silico tool predictions suggest damaging effect of the variant on gene or gene product [REVEL: 0.76 (>=0.6, sensitivity 0.68 and specificity 0.92); 3Cnet: 0.91 (>=0.6, sensitivity 0.72 and precision 0.9)]. Different missense changes at the same codon have been reported as of uncertain significance (ClinVar ID: VCV000306155, VCV001358418). Therefore, this variant is classified as VUS according to the recommendation of ACMG/AMP guideline.

Labcorp Genetics (formerly Invitae), Labcorp
Classification: Uncertain significance. Last evaluated: 2024-05-10. Review status: criteria provided, single submitter. Criteria: Invitae Variant Classification Sherloc (09022015). Collection method: clinical testing. Allele origin: germline.
Comment: This sequence change replaces arginine, which is basic and polar, with proline, which is neutral and non-polar, at codon 72 of the MYO7A protein (p.Arg72Pro). This variant is present in population databases (no rsID available, gnomAD 0.003%). This variant has not been reported in the literature in individuals affected with MYO7A-related conditions. Advanced modeling of protein sequence and biophysical properties (such as structural, functional, and spatial information, amino acid conservation, physicochemical variation, residue mobility, and thermodynamic stability) has been performed at Invitae for this missense variant, however the output from this modeling did not meet the statistical confidence thresholds required to predict the impact of this variant on MYO7A protein function. In summary, the available evidence is currently insufficient to determine the role of this variant in disease. Therefore, it has been classified as a Variant of Uncertain Significance.

NM_000260.4(MYO7A):c.215G>C (p.Arg72Pro)

Gene: MYO7A (myosin VIIA; plus strand). Cytogenetic location: 11q13.5.
Variant type: single nucleotide variant.
Coding change: c.215G>C on transcript NM_000260.4 (MANE Select); coding-DNA position 215, G replaced by C.
Protein change: p.Arg72Pro; replaces arginine 72 with proline.
Molecular consequence: missense variant.
Genome position (GRCh38, 1-based): chr11:77,147,880, G>C. VCF-style: chr11-77147880-G-C. GRCh37 (hg19) VCF-style: chr11-76858926-G-C.
Other names: c.215G>C, p.Arg72Pro (NM_001127180.2); c.182G>C, p.Arg61Pro (NM_001369365.1); short protein forms R72P, R61P.
Identifiers: ClinVar variation 3634248 (VCV003634248.3).